The following is an entry in ClinVar:

NM_001330078.2(NRXN1):c.321G>T (p.Thr107=)

Gene: NRXN1 (neurexin 1; minus strand). Cytogenetic location: 2p16.3.
Variant type: single nucleotide variant.
Coding change: c.321G>T on transcript NM_001330078.2 (MANE Select); coding-DNA position 321, G replaced by T.
Protein change: p.Thr107=; no amino-acid change (threonine 107 retained).
Molecular consequence: synonymous variant.
Genome position (GRCh38, 1-based): chr2:51,027,953, C>A on the plus strand (G>T on the coding strand, the complement: NRXN1 is on the minus strand). VCF-style: chr2-51027953-C-A. GRCh37 (hg19) VCF-style: chr2-51255091-C-A.
Other names: c.321G>T, p.Thr107= (NM_001135659.3, NM_001330077.2, NM_001330079.2 and 15 more transcripts).
Identifiers: ClinVar variation 378282 (VCV000378282.9), dbSNP rs776382029, ClinGen allele CA1655516.

ClinVar aggregate classification (germline): Likely benign. Review status: criteria provided, multiple submitters, no conflicts (2 of 4 stars). 2 submissions from 2 submitters: Likely benign (2). Last evaluated 2025-08-22.

Conditions:
Pitt-Hopkins-like syndrome 2 (PTHSL2). Identifiers: Orphanet 221150, Orphanet 600663, MedGen C3280479, MONDO:0013690, OMIM 614325.

Allele frequency attached by ClinVar (database versions not stated): TOPMed 0.00004; ExAC 0.00008; gnomAD exomes 0.00008.
gnomAD v4.1: 39 of 1,602,964 alleles (0.0024%); highest among the groups gnomAD compares: East Asian, 0.029%; no homozygotes.

Submissions (2):

Labcorp Genetics (formerly Invitae), Labcorp
Classification: Likely benign for Pitt-Hopkins-like syndrome 2. Last evaluated: 2025-08-22. Review status: criteria provided, single submitter. Criteria: Invitae Variant Classification Sherloc (09022015). Collection method: clinical testing. Allele origin: germline.

GeneDx
Classification: Likely benign. Last evaluated: 2016-10-19. Review status: criteria provided, single submitter. Criteria: GeneDx Variant Classification (06012015). Collection method: clinical testing. Allele origin: germline. Affected: yes.
Comment: This variant is considered likely benign or benign based on one or more of the following criteria: it is a conservative change, it occurs at a poorly conserved position in the protein, it is predicted to be benign by multiple in silico algorithms, and/or has population frequency not consistent with disease.